The following is an entry in ClinVar:

NM_004738.5(VAPB):c.*5479C>T

Gene: VAPB (VAMP associated protein B and C; plus strand). Cytogenetic location: 20q13.32.
Variant type: single nucleotide variant.
Coding change: c.*5479C>T on transcript NM_004738.5 (MANE Select); 5479 bases downstream of the stop codon, C replaced by T.
Molecular consequence: 3 prime UTR variant. On other transcripts: non-coding transcript variant (1).
Genome position (GRCh38, 1-based): chr20:58,449,714, C>T. VCF-style: chr20-58449714-C-T. GRCh37 (hg19) VCF-style: chr20-57024770-C-T.
Other names: c.*5549C>T (NM_001195677.2).
Identifiers: ClinVar variation 897144 (VCV000897144.5), dbSNP rs554455751, ClinGen allele CA9924631.

ClinVar aggregate classification (germline): Likely benign. Review status: criteria provided, single submitter (1 of 4 stars). 2 submissions from 1 submitter: Likely benign (2). Last evaluated 2018-01-13.

Conditions:
Adult-onset proximal spinal muscular atrophy, autosomal dominant. Also called: FINKEL LATE-ADULT TYPE SMA; Spinal muscular atrophy, late-onset, finkel type. Identifiers: Orphanet 209335, MedGen C1854058, MONDO:0008453, OMIM 182980.
Amyotrophic lateral sclerosis type 8 (ALS8). Identifiers: Orphanet 803, MedGen C1837728, MONDO:0012077, OMIM 608627.

Allele frequency attached by ClinVar (database versions not stated): gnomAD below 0.00001 and 0.00014; TOPMed 0.00002; gnomAD exomes 0.00033 and 0.00036; 1000 Genomes Project 30x 0.00094; 1000 Genomes Project 0.00100; ExAC 0.00130.

Submissions (2):

Illumina Laboratory Services, Illumina
Classification: Likely benign for Amyotrophic lateral sclerosis type 8. Last evaluated: 2018-01-13. Review status: criteria provided, single submitter. Criteria: ICSL Variant Classification Criteria 13 December 2019. Collection method: clinical testing. Allele origin: germline.
Comment: This variant was observed in the ICSL laboratory as part of a predisposition screen in an ostensibly healthy population. It had not been previously curated by ICSL or reported in the Human Gene Mutation Database (HGMD: prior to June 1st, 2018), and was therefore a candidate for classification through an automated scoring system. Utilizing variant allele frequency, disease prevalence and penetrance estimates, and inheritance mode, an automated score was calculated to assess if this variant is too frequent to cause the disease. Based on the score and internal cut-off values, a variant classified as likely benign is not then subjected to further curation. The score for this variant resulted in a classification of likely benign for this disease.

Illumina Laboratory Services, Illumina
Classification: Likely benign for Adult-onset proximal spinal muscular atrophy, autosomal dominant. Last evaluated: 2018-01-13. Review status: criteria provided, single submitter. Criteria: ICSL Variant Classification Criteria 13 December 2019. Collection method: clinical testing. Allele origin: germline.
Comment: the same text as in the submission from Illumina Laboratory Services, Illumina above.